The following is an entry in ClinVar:

NM_000204.5(CFI):c.1342C>T (p.Arg448Cys)

Gene: CFI (complement factor I; minus strand). Cytogenetic location: 4q25.
Variant type: single nucleotide variant.
Coding change: c.1342C>T on transcript NM_000204.5 (MANE Select); coding-DNA position 1342, C replaced by T.
Protein change: p.Arg448Cys; replaces arginine 448 with cysteine.
Molecular consequence: missense variant. On other transcripts: non-coding transcript variant (2).
Genome position (GRCh38, 1-based): chr4:109,746,309, G>A on the plus strand (C>T on the coding strand, the complement: CFI is on the minus strand). VCF-style: chr4-109746309-G-A. GRCh37 (hg19) VCF-style: chr4-110667465-G-A.
Other names: c.1366C>T, p.Arg456Cys (NM_001318057.2, NM_001375278.1); c.1321C>T, p.Arg441Cys (NM_001331035.2, NM_001375280.1, NM_001375282.1); c.1342C>T, p.Arg448Cys (NM_001375279.1, NM_001375281.1); c.1285C>T, p.Arg429Cys (NM_001375283.1); c.733C>T, p.Arg245Cys (NM_001375284.1); short protein forms R429C, R456C, R245C, R441C, R448C.
Identifiers: ClinVar variation 2734666 (VCV002734666.6), dbSNP rs754851037, ClinGen allele CA3041934.

ClinVar aggregate classification (germline): Uncertain significance. Review status: criteria provided, multiple submitters, no conflicts (2 of 4 stars). 3 submissions from 3 submitters: Uncertain significance (3). Last evaluated 2026-09-17.

Conditions:
Atypical hemolytic-uremic syndrome with I factor anomaly. Also called: HEMOLYTIC UREMIC SYNDROME, ATYPICAL, SUSCEPTIBILITY TO, 3; AHUS, SUSCEPTIBILITY TO, 3. Identifiers: Orphanet 2134, MedGen C2752039, MONDO:0013041, OMIM 612923.
Age related macular degeneration 13. Identifiers: MedGen C3809523, MONDO:0014189, OMIM 615439.
Factor I deficiency (CFID). Also called: Complement factor I deficiency. Identifiers: Orphanet 200418, MedGen C3463916, MONDO:0012594, OMIM 610984.
Atypical hemolytic-uremic syndrome. Identifiers: Orphanet 2134, MedGen C2931788, MONDO:0016244.

Allele frequency attached by ClinVar (database versions not stated): ExAC 0.00002; gnomAD 0.00002; gnomAD exomes 0.00005.
gnomAD v4.1: 75 of 1,614,050 alleles (0.0046%); highest among the groups gnomAD compares: South Asian, 0.0099%; 1 homozygote.

Submissions (3):

Genomenon, Inc
Classification: Uncertain significance for Atypical hemolytic-uremic syndrome. Last evaluated: 2026-09-17. Review status: criteria provided, single submitter. Criteria: Genomenon Sequence Variant Interpretation Standards - Updated. Collection method: curation. Allele origin: germline. Affected: yes.
Comment: CFI p.Arg448Cys (c.1342C>T) is a missense variant that changes the amino acid at codon 448 from Arginine to Cysteine. This variant has been observed in at least one proband affected with atypical hemolytic-uremic syndrome (PMID:35619721). Functional studies have been reported (PMID:32510551). This variant is located in a mutational hotspot and/or important functional domain. It is absent or not present at a significant frequency in gnomAD. In conclusion, we classify CFI p.Arg448Cys (c.1342C>T) as a variant of uncertain significance.

Fulgent Genetics
Classification: Uncertain significance for Factor I deficiency; Atypical hemolytic-uremic syndrome with I factor anomaly; Age related macular degeneration 13. Last evaluated: 2024-03-27. Review status: criteria provided, single submitter. Criteria: ACMG Guidelines, 2015. Collection method: clinical testing. Allele origin: germline.

Labcorp Genetics (formerly Invitae), Labcorp
Classification: Uncertain significance. Last evaluated: 2024-03-20. Review status: criteria provided, single submitter. Criteria: Invitae Variant Classification Sherloc (09022015). Collection method: clinical testing. Allele origin: germline.
Comment: This sequence change replaces arginine, which is basic and polar, with cysteine, which is neutral and slightly polar, at codon 448 of the CFI protein (p.Arg448Cys). This variant is present in population databases (rs754851037, gnomAD 0.01%). This missense change has been observed in individual(s) with CFI-related conditions (PMID: 29888403, 32510551, 35619721). Advanced modeling of protein sequence and biophysical properties (such as structural, functional, and spatial information, amino acid conservation, physicochemical variation, residue mobility, and thermodynamic stability) performed at Invitae indicates that this missense variant is not expected to disrupt CFI protein function with a negative predictive value of 95%. Experimental studies have shown that this missense change affects CFI function (PMID: 28282489). In summary, the available evidence is currently insufficient to determine the role of this variant in disease. Therefore, it has been classified as a Variant of Uncertain Significance.

Literature cited by the submitters: PubMed 35619721 (cited by Genomenon, Inc and Labcorp Genetics (formerly Invitae), Labcorp); PubMed 32510551 (cited by Genomenon, Inc and Labcorp Genetics (formerly Invitae), Labcorp); PubMed 29888403 (cited by Labcorp Genetics (formerly Invitae), Labcorp); PubMed 28282489 (cited by Labcorp Genetics (formerly Invitae), Labcorp).